The following is an entry in ClinVar:

ClinVar aggregate classification (germline): Uncertain significance (1 of 4 stars; one submission).

Conditions:
Inborn genetic diseases. Identifiers: MedGen C0950123, MeSH D030342.

Allele frequency attached by ClinVar (database versions not stated): gnomAD exomes below 0.00001; TOPMed below 0.00001; ExAC 0.00001; gnomAD 0.00001; 1000 Genomes Project 30x 0.00016; 1000 Genomes Project 0.00020.
gnomAD v4.1: 3 of 1,613,248 alleles (0.00019%); highest among the groups gnomAD compares: African/African-American, 0.004%; no homozygotes.

Submission:

Ambry Genetics
Classification: Uncertain significance for Inborn genetic diseases. Last evaluated: 2024-03-11. Review status: criteria provided, single submitter. Criteria: Ambry Variant Classification Scheme 2023. Collection method: clinical testing. Allele origin: germline.
Comment: The p.K239R variant (also known as c.716A>G), located in coding exon 7 of the MDH2 gene, results from an A to G substitution at nucleotide position 716. The lysine at codon 239 is replaced by arginine, an amino acid with highly similar properties. This amino acid position is conserved. In addition, the in silico prediction for this alteration is inconclusive. Based on the available evidence, the clinical significance of this alteration remains unclear.

NM_005918.4(MDH2):c.716A>G (p.Lys239Arg)

Gene: MDH2 (malate dehydrogenase 2; plus strand). Cytogenetic location: 7q11.23.
Variant type: single nucleotide variant.
Coding change: c.716A>G on transcript NM_005918.4 (MANE Select); coding-DNA position 716, A replaced by G.
Protein change: p.Lys239Arg; replaces lysine 239 with arginine.
Molecular consequence: missense variant.
Genome position (GRCh38, 1-based): chr7:76,064,421, A>G. VCF-style: chr7-76064421-A-G. GRCh37 (hg19) VCF-style: chr7-75693739-A-G.
Other names: c.590A>G, p.Lys197Arg (NM_001282403.2); c.395A>G, p.Lys132Arg (NM_001282404.2); short protein forms K132R, K197R, K239R.
Identifiers: ClinVar variation 3225210 (VCV003225210.1), dbSNP rs554228234, ClinGen allele CA4305661.